The following is an entry in ClinVar:

NM_000136.3(FANCC):c.766C>T (p.His256Tyr)

Genes: AOPEP (aminopeptidase O (putative); plus strand), FANCC (FA complementation group C; minus strand). Cytogenetic location: 9q22.32.
Variant type: single nucleotide variant.
Coding change: c.766C>T on transcript NM_000136.3 (MANE Select); coding-DNA position 766, C replaced by T.
Protein change: p.His256Tyr; replaces histidine 256 with tyrosine.
Molecular consequence: missense variant.
Genome position (GRCh38, 1-based): chr9:95,135,423, G>A on the plus strand (C>T on the coding strand, the complement: FANCC is on the minus strand). VCF-style: chr9-95135423-G-A. GRCh37 (hg19) VCF-style: chr9-97897705-G-A.
Other names: c.766C>T, p.His256Tyr (NM_001243743.2, NM_001243744.2); short protein forms H256Y.
Identifiers: ClinVar variation 5036478 (VCV005036478.1).

ClinVar aggregate classification (germline): Uncertain significance (1 of 4 stars; one submission).

Conditions:
Hereditary cancer-predisposing syndrome. Also called: Neoplastic Syndromes, Hereditary; Tumor predisposition; Hereditary neoplastic syndrome; Hereditary Cancer Syndrome. Identifiers: Orphanet 140162, MedGen C0027672, MeSH D009386, MONDO:0015356.

Submission:

Ambry Genetics
Classification: Uncertain significance for Hereditary cancer-predisposing syndrome. Last evaluated: 2026-08-15. Review status: criteria provided, single submitter. Criteria: Ambry Variant Classification Scheme 2023. Collection method: clinical testing. Allele origin: germline.
Comment: The p.H256Y variant (also known as c.766C>T), located in coding exon 7 of the FANCC gene, results from a C to T substitution at nucleotide position 766. The histidine at codon 256 is replaced by tyrosine, an amino acid with similar properties. This amino acid position is conserved. In addition, this alteration is predicted to be tolerated by in silico analysis. Based on the available evidence, the clinical significance of this variant remains unclear.